The following is an entry in ClinVar:

NM_001267550.2(TTN):c.107003G>A (p.Ser35668Asn)

Genes: TTN (titin; minus strand), TTN-AS1 (TTN antisense RNA 1; plus strand). Cytogenetic location: 2q31.2.
Variant type: single nucleotide variant.
Coding change: c.107003G>A on transcript NM_001267550.2 (MANE Select); coding-DNA position 107003, G replaced by A.
Protein change: p.Ser35668Asn; replaces serine 35668 with asparagine.
Molecular consequence: missense variant.
Genome position (GRCh38, 1-based): chr2:178,528,748, C>T on the plus strand (G>A on the coding strand, the complement: TTN is on the minus strand). VCF-style: chr2-178528748-C-T. GRCh37 (hg19) VCF-style: chr2-179393475-C-T.
Other names: c.102080G>A, p.Ser34027Asn (NM_001256850.1); c.79808G>A, p.Ser26603Asn (NM_003319.4); c.99299G>A, p.Ser33100Asn (NM_133378.4); c.80183G>A, p.Ser26728Asn (NM_133432.3); c.80384G>A, p.Ser26795Asn (NM_133437.4); short protein forms S35668N, S26603N, S26728N, S26795N, S33100N, S34027N.
Identifiers: ClinVar variation 847999 (VCV000847999.10), dbSNP rs1687674300, ClinGen allele CA349402261.

ClinVar aggregate classification (germline): Uncertain significance (1 of 4 stars; one submission).

Conditions:
Dilated cardiomyopathy 1G (CMD1G). Identifiers: Orphanet 154, MedGen C1858763, MONDO:0011400, OMIM 604145.
Autosomal recessive limb-girdle muscular dystrophy type 2J (LGMDR10). Also called: Limb-girdle muscular dystrophy, type 2J; MUSCULAR DYSTROPHY, LIMB-GIRDLE, AUTOSOMAL RECESSIVE 10. Identifiers: Orphanet 140922, MedGen C1837342, MONDO:0012127, OMIM 608807.

Allele frequency attached by ClinVar (database versions not stated): gnomAD exomes below 0.00001.
gnomAD v4.1: 2 of 1,613,112 alleles (0.00012%); highest among the groups gnomAD compares: Non-Finnish European, 0.00017%; no homozygotes.

Submission:

Labcorp Genetics (formerly Invitae), Labcorp
Classification: Uncertain significance for Dilated cardiomyopathy 1G; Autosomal recessive limb-girdle muscular dystrophy type 2J. Last evaluated: 2022-07-12. Review status: criteria provided, single submitter. Criteria: Invitae Variant Classification Sherloc (09022015). Collection method: clinical testing. Allele origin: germline.
Comment: This variant is located in the M band of TTN (PMID: 25589632). Variants in this region may be relevant for neuromuscular disorders, but have not been definitively shown to cause cardiomyopathy (PMID: 23975875). Experimental studies and prediction algorithms are not available or were not evaluated, and the functional significance of this variant is currently unknown. ClinVar contains an entry for this variant (Variation ID: 847999). This variant has not been reported in the literature in individuals affected with TTN-related conditions. This variant is not present in population databases (gnomAD no frequency). This sequence change replaces serine, which is neutral and polar, with asparagine, which is neutral and polar, at codon 35668 of the TTN protein (p.Ser35668Asn). In summary, the available evidence is currently insufficient to determine the role of this variant in disease. Therefore, it has been classified as a Variant of Uncertain Significance.

Literature cited by the submitters: PubMed 25589632; PubMed 23975875.